The following is an entry in ClinVar:

NM_001276345.2(TNNT2):c.868A>G (p.Lys290Glu)

Gene: TNNT2 (troponin T2, cardiac type; minus strand). Cytogenetic location: 1q32.1.
Variant type: single nucleotide variant.
Coding change: c.868A>G on transcript NM_001276345.2 (MANE Select); coding-DNA position 868, A replaced by G.
Protein change: p.Lys290Glu; replaces lysine 290 with glutamic acid.
Molecular consequence: missense variant.
Genome position (GRCh38, 1-based): chr1:201,359,239, T>C on the plus strand (A>G on the coding strand, the complement: TNNT2 is on the minus strand). VCF-style: chr1-201359239-T-C. GRCh37 (hg19) VCF-style: chr1-201328367-T-C.
Other names: c.859A>G, p.Lys287Glu (NM_000364.4, NM_001406723.1); c.838A>G, p.Lys280Glu (NM_001001430.3, NM_001276347.2, NM_001406724.1); c.829A>G, p.Lys277Glu (NM_001001431.3, NM_001406726.1, NM_001406727.1); c.820A>G, p.Lys274Glu (NM_001001432.3); c.739A>G, p.Lys247Glu (NM_001276346.2); c.835A>G, p.Lys279Glu (NM_001406725.1); c.823A>G, p.Lys275Glu (NM_001406728.1); short protein forms K247E, K274E, K275E, K277E, K279E, K280E, K287E, K290E.
Identifiers: ClinVar variation 1719889 (VCV001719889.5), dbSNP rs2526878336, ClinGen allele CA344201890.

ClinVar aggregate classification (germline): Uncertain significance (1 of 4 stars; one submission).

Conditions:
Dilated cardiomyopathy 1D. Identifiers: Orphanet 154, Orphanet 54260, MedGen C1832243, MONDO:0011095, OMIM 601494.
Hypertrophic cardiomyopathy 2. Also called: TNNT2-Related Familial Hypertrophic Cardiomyopathy. Identifiers: MedGen C1861864, MONDO:0007266, OMIM 115195.
Cardiomyopathy, familial restrictive, 3. Identifiers: Orphanet 75249, MedGen C2676271, MONDO:0012900, OMIM 612422.

Submission:

Labcorp Genetics (formerly Invitae), Labcorp
Classification: Uncertain significance for Cardiomyopathy, familial restrictive, 3; Hypertrophic cardiomyopathy 2; Dilated cardiomyopathy 1D. Last evaluated: 2026-01-18. Review status: criteria provided, single submitter. Criteria: Invitae Variant Classification Sherloc (09022015). Collection method: clinical testing. Allele origin: germline.
Comment: This sequence change replaces lysine, which is basic and polar, with glutamic acid, which is acidic and polar, at codon 280 of the TNNT2 protein (p.Lys280Glu). This variant is not present in population databases (gnomAD no frequency). This missense change has been observed in individual(s) with hypertrophic cardiomyopathy (internal data). It has also been observed to segregate with disease in related individuals. ClinVar contains an entry for this variant (Variation ID: 1719889). Invitae Evidence Modeling of protein sequence and biophysical properties (such as structural, functional, and spatial information, amino acid conservation, physicochemical variation, residue mobility, and thermodynamic stability) indicates that this missense variant is not expected to disrupt TNNT2 protein function with a negative predictive value of 80%. In summary, the available evidence is currently insufficient to determine the role of this variant in disease. Therefore, it has been classified as a Variant of Uncertain Significance.